The following is an entry in ClinVar:

ClinVar aggregate classification (germline): Uncertain significance (1 of 4 stars; one submission).

Submission:

Women's Health and Genetics/Laboratory Corporation of America, LabCorp
Classification: Uncertain significance. Last evaluated: 2023-08-31. Review status: criteria provided, single submitter. Criteria: LabCorp Variant Classification Summary - May 2015. Collection method: clinical testing. Allele origin: germline.
Comment: Variant summary: MSH6 c.3812_3838dup27 (p.Ser1279_Gln1280insLeuGluAsnGluCysGluAspProSer) results in an in-frame duplication that is predicted to insert 9 amino acids into the encoded protein. The variant was absent in 251020 control chromosomes (gnomAD). The available data on variant occurrences in the general population are insufficient to allow any conclusion about variant significance. To our knowledge, no occurrence of c.3812_3838dup27 in individuals affected with Lynch Syndrome and no experimental evidence demonstrating its impact on protein function have been reported. No submitters have cited clinical-significance assessments for this variant to ClinVar after 2014. Based on the evidence outlined above, the variant was classified as uncertain significance.

NM_000179.3(MSH6):c.3812_3838dup (p.Ser1279_Gln1280insLeuGluAsnGluCysGluAspProSer)

Gene: MSH6 (mutS homolog 6; plus strand). Cytogenetic location: 2p16.3.
Variant type: Duplication.
Coding change: c.3812_3838dup on transcript NM_000179.3 (MANE Select); coding-DNA positions 3812 to 3838, 27 bases duplicated (TAGAAAATGAATGTGAAGACCCCAGCC).
Protein change: p.Ser1279_Gln1280insLeuGluAsnGluCysGluAspProSer.
Molecular consequence: inframe insertion. On other transcripts: non-coding transcript variant (5), intron variant (1), splice acceptor variant (1), inframe indel (1).
Genome position (GRCh38, 1-based): chr2:47,806,462-47,806,488, TAGAAAATGAATGTGAAGACCCCAGCC duplicated. VCF-style (leftmost placement, unchanged base first): chr2-47806461-G-GTAGAAAATGAATGTGAAGACCCCAGCC. GRCh37 (hg19) VCF-style: chr2-48033600-G-GTAGAAAATGAATGTGAAGACCCCAGCC.
Other names: c.3422_3448dup, p.Ser1149_Gln1150insLeuGluAsnGluCysGluAspProSer (NM_001281492.2); c.2906_2932dup, p.Ser977_Gln978insLeuGluAsnGluCysGluAspProSer (NM_001281493.2, NM_001281494.2, NM_001406811.1 and 6 more transcripts); c.3908_3934dup, p.Ser1311_Gln1312insLeuGluAsnGluCysGluAspProSer (NM_001406795.1); c.3812_3838dup, p.Ser1279_Gln1280insLeuGluAsnGluCysGluAspProSer (NM_001406796.1, NM_001406808.1, NM_001406809.1); c.3515_3541dup, p.Ser1180_Gln1181insLeuGluAsnGluCysGluAspProSer (NM_001406797.1, NM_001406801.1, NM_001406805.1 and 10 more transcripts); c.3638_3664dup, p.Ser1221_Gln1222insLeuGluAsnGluCysGluAspProSer (NM_001406798.1); c.3287_3313dup, p.Ser1104_Gln1105insLeuGluAsnGluCysGluAspProSer (NM_001406799.1, NM_001406806.1, NM_001406807.1); c.2948_2974dup, p.Ser991_Gln992insLeuGluAsnGluCysGluAspProSer (NM_001406803.1); and 10 more.
Identifiers: ClinVar variation 2581460 (VCV002581460.1), dbSNP rs2530855332, ClinGen allele CA2582342380.
Genomic context (GRCh38, chr2:47,806,461, plus strand): 5'-AGGGCACTTCTCTTGCTAGCACATGTATCGCTAATATTTTTCTTTCTTAAGGCATGCATG[G>GTAGAAAATGAATGTGAAGACCCCAGCC]TAGAAAATGAATGTGAAGACCCCAGCCAGGAGACTATTACGTTCCTCTATAAATTCATTA-3'